The following is an entry in ClinVar:

ClinVar aggregate classification (germline): Uncertain significance (1 of 4 stars; one submission).

Allele frequency attached by ClinVar (database versions not stated): ESP Exome Variant Server 0.00008.
gnomAD v4.1: 4 of 1,614,086 alleles (0.00025%); highest among the groups gnomAD compares: Non-Finnish European, 0.00034%; no homozygotes.

Submission:

GeneDx
Classification: Uncertain significance. Last evaluated: 2021-06-17. Review status: criteria provided, single submitter. Criteria: GeneDx Variant Classification Process June 2021. Collection method: clinical testing. Allele origin: germline. Affected: yes.
Comment: Not observed at significant frequency in large population cohorts (Lek et al., 2016); Nonsense variant predicted to result in protein truncation or nonsense mediated decay in a gene for which loss-of-function is not a known mechanism of disease; Has not been previously published as pathogenic or benign to our knowledge; This variant is associated with the following publications: (PMID: 27535533)

NM_000742.4(CHRNA2):c.993C>G (p.Tyr331Ter)

Gene: CHRNA2 (cholinergic receptor nicotinic alpha 2 subunit; minus strand). Cytogenetic location: 8p21.2.
Variant type: single nucleotide variant.
Coding change: c.993C>G on transcript NM_000742.4 (MANE Select); coding-DNA position 993, C replaced by G.
Protein change: p.Tyr331Ter; replaces tyrosine 331 with a stop codon.
Molecular consequence: nonsense.
Genome position (GRCh38, 1-based): chr8:27,463,450, G>C on the plus strand (C>G on the coding strand, the complement: CHRNA2 is on the minus strand). VCF-style: chr8-27463450-G-C. GRCh37 (hg19) VCF-style: chr8-27320967-G-C.
Other names: c.948C>G, p.Tyr316Ter (NM_001282455.2); c.516C>G, p.Tyr172Ter (NM_001347705.2, NM_001347706.2); c.399C>G, p.Tyr133Ter (NM_001347707.2, NM_001347708.2); short protein forms Y133*, Y172*, Y316*, Y331*.
Identifiers: ClinVar variation 1328832 (VCV001328832.2), dbSNP rs143360318, ClinGen allele CA174241875.
Genomic context (GRCh38, chr8:27,463,450, plus strand): 5'-ATTGAGCACGAAGACGGTGATGACGATGGACAGGGTGACGAAGATCATGGTGAACAGCAG[G>C]TACTCGCCGATGAGCGGGATGACCAGCGAGGTGGACGGGATGATCTCAGTGATGAGCAGC-3'